The following is an entry in ClinVar:

NM_000017.4(ACADS):c.1058C>T (p.Ser353Leu)

Gene: ACADS (acyl-CoA dehydrogenase short chain; plus strand). Cytogenetic location: 12q24.31.
Variant type: single nucleotide variant.
Coding change: c.1058C>T on transcript NM_000017.4 (MANE Select); coding-DNA position 1058, C replaced by T.
Protein change: p.Ser353Leu; replaces serine 353 with leucine.
Molecular consequence: missense variant.
Genome position (GRCh38, 1-based): chr12:120,739,168, C>T. VCF-style: chr12-120739168-C-T. GRCh37 (hg19) VCF-style: chr12-121176971-C-T.
Other names: S329L; p.S353L:TCG>TTG; c.1046C>T, p.Ser349Leu (NM_001302554.2); short protein forms S353L, S349L.
Identifiers: ClinVar variation 3836 (VCV000003836.78), dbSNP rs28941773, ClinGen allele CA252888.

ClinVar aggregate classification (germline): Pathogenic/Likely pathogenic. Review status: criteria provided, multiple submitters, no conflicts (2 of 4 stars). 16 submissions from 16 submitters: Pathogenic (5); Likely pathogenic (9). 2 of the submissions do not count toward it. Last evaluated 2026-09-22.

Conditions:
ACADS-related disorder. Also called: ACADS-related condition.
Deficiency of butyryl-CoA dehydrogenase (ACADSD). Also called: ACADS DEFICIENCY; SCAD Deficiency; SCAD DEFICIENCY, MILD; ACYL-CoA DEHYDROGENASE, SHORT-CHAIN, DEFICIENCY OF; SCADH DEFICIENCY; Short-Chain Acyl-CoA Dehydrogenase Deficiency. Identifiers: Orphanet 26792, MedGen C0342783, MONDO:0008722, OMIM 201470. Disease mechanism: May be benign.

Allele frequency attached by ClinVar (database versions not stated): ExAC 0.00012; TOPMed 0.00015; gnomAD 0.00020 and 0.00021; gnomAD exomes 0.00020 and 0.00023.

Submissions (16):

PreventionGenetics, part of Exact Sciences
Classification: Likely pathogenic for ACADS-related condition. Last evaluated: 2026-09-22. Review status: criteria provided, single submitter. Criteria: ACMG Guidelines, 2015. Collection method: clinical testing. Allele origin: germline.
Comment: The ACADS c.1058C>T variant is predicted to result in the amino acid substitution p.Ser353Leu. This variant has been reported in multiple patients with short chain acyl-coA dehydrogenase (SCAD) deficiency (Corydon et al. 2001. PubMed ID: 11134486; Pedersen et al. 2008. PubMed ID: 18523805). Enzyme activity was found to be greatly reduced relative to control in patient fibroblasts or in E. coli expression assays (Corydon et al. 2001. PubMed ID: 11134486), and in other experimental studies the p.Ser353Leu was found to lead to defective tetramer formation and increased protein aggregation (Pedersen et al. 2008. PubMed ID: 18523805). In summary, we classify this variant as likely pathogenic.

Labcorp Genetics (formerly Invitae), Labcorp
Classification: Pathogenic for Deficiency of butyryl-CoA dehydrogenase. Last evaluated: 2025-11-27. Review status: criteria provided, single submitter. Criteria: Invitae Variant Classification Sherloc (09022015). Collection method: clinical testing. Allele origin: germline.
Comment: This sequence change replaces serine, which is neutral and polar, with leucine, which is neutral and non-polar, at codon 353 of the ACADS protein (p.Ser353Leu). This variant is present in population databases (rs28941773, gnomAD 0.04%). This missense change has been observed in individual(s) with SCAD deficiency (PMID: 11134486, 18523805, 19800078; internal data). ClinVar contains an entry for this variant (Variation ID: 3836). Invitae Evidence Modeling of protein sequence and biophysical properties (such as structural, functional, and spatial information, amino acid conservation, physicochemical variation, residue mobility, and thermodynamic stability) indicates that this missense variant is expected to disrupt ACADS protein function with a positive predictive value of 80%. Experimental studies have shown that this missense change affects ACADS function (PMID: 11134486, 18523805). This variant disrupts the p.Ser353 amino acid residue in ACADS. Other variant(s) that disrupt this residue have been observed in individuals with ACADS-related conditions (PMID: 22424739), which suggests that this may be a clinically significant amino acid residue. For these reasons, this variant has been classified as Pathogenic.

GeneDx
Classification: Pathogenic. Last evaluated: 2025-11-17. Review status: criteria provided, single submitter. Criteria: GeneDx Variant Classification Process June 2021. Collection method: clinical testing. Allele origin: germline. Affected: yes.
Comment: Published functional studies demonstrate a damaging effect (PMID: 18523805, 11134486); In silico analysis supports that this missense variant has a deleterious effect on protein structure/function; This variant is associated with the following publications: (PMID: 11134486, 16926354, 28532786, 18523805, 28263315, 21500142, 31980526, 34426522, 31813752)

Variantyx, Inc.
Classification: Pathogenic for Deficiency of butyryl-CoA dehydrogenase. Last evaluated: 2025-08-28. Review status: criteria provided, single submitter. Criteria: Variantyx Assertion Criteria 2022. Collection method: clinical testing. Allele origin: germline. Inheritance: Autosomal recessive inheritance. Affected: no.
Comment: This is a nonsynonymous variant in the ACADS gene (OMIM: 606885). Pathogenic variants in this gene have been associated with autosomal recessive short-chain acyl-CoA dehydrogenase deficiency. This variant has been identified in the compound heterozygous state in at least 2 individuals reported in the published literature (PMID: 31813752) (PM3_Strong). Functional studies have shown that this variant alters ACADS protein function (PMID: 11134486) (PS3_Moderate) and multiple computational algorithms predict a deleterious effect for this variant (REVEL score: 0.964) (PP3). Moreover, it lies within a known hotspot for pathogenic variants or a well-established critical functional domain of the ACADS protein (PM1). The maximum allele frequency in non-founder control populations is 0.0290% (PM2). Based on the current evidence, this variant is classified as pathogenic for autosomal recessive short-chain acyl-CoA dehydrogenase deficiency.

Fulgent Genetics
Classification: Likely pathogenic for Deficiency of butyryl-CoA dehydrogenase. Last evaluated: 2024-04-15. Review status: criteria provided, single submitter. Criteria: ACMG Guidelines, 2015. Collection method: clinical testing. Allele origin: germline.

Women's Health and Genetics/Laboratory Corporation of America, LabCorp
Classification: Likely pathogenic for Deficiency of butyryl-CoA dehydrogenase. Last evaluated: 2023-06-05. Review status: criteria provided, single submitter. Criteria: LabCorp Variant Classification Summary - May 2015. Collection method: clinical testing. Allele origin: germline.
Comment: Variant summary: ACADS c.1058C>T (p.Ser353Leu) results in a non-conservative amino acid change in the Acyl-CoA dehydrogenase/oxidase C-terminal domain (IPR009075) of the encoded protein sequence. Five of five in-silico tools predict a damaging effect of the variant on protein function. The variant allele was found at a frequency of 0.0002 in 246882 control chromosomes in GnomAD. c.1058C>T has been reported in the literature in individuals affected with Short-chain acyl-CoA dehydrogenase (SCAD) deficiency (example: Corydon_2001, Sadat_2020, vanMaldegem_2006). This variant has been reported in compound heterozygous state with c.529T>C/p.Trp177Arg (P/LP in ClinVar) in settings of newborn screening for Short-chain acyl-CoA dehydrogenase (SCAD) deficiency (Sadat_2020). It was found in 8 of 20 patients, all of Dutch ancestry, suggesting a founder effect of this variant in Dutch (vanMaldegem_2006). However, in most cases, this variant was the only disease-causing variant in ACADS that had been found, and the secondary variant, if reported, was usually c.625G>A (p.Gly209Ser, a common susceptibility variant classified as Benign/LB in ClinVar). These data indicate that the variant may be associated with disease. At least two publications report experimental evidence evaluating an impact on protein function. The most pronounced variant effect results in <10% of normal activity (Corydon_ 2001). Impaired ACADS tetramer formation and Chaperone complex formation, and aggregation tendency were also reported (Pedersen_2008). The following publications have been ascertained in the context of this evaluation (PMID: 11134486, 28532786, 31980526, 18523805, 31813752, 19800078). Ten clinical diagnostic laboratories have submitted clinical-significance assessments for this variant to ClinVar after 2014 without evidence for independent evaluation and all classified the variant as pathogenic/likely pathogenic. Based on the evidence outlined above, the variant was classified as likely pathogenic.

MGZ Medical Genetics Center
Classification: Likely pathogenic for Deficiency of butyryl-CoA dehydrogenase. Last evaluated: 2022-04-28. Review status: criteria provided, single submitter. Criteria: ACMG Guidelines, 2015. Collection method: clinical testing. Allele origin: germline. Affected: yes. Observed: 1 variant allele.
Comment: ACMG criteria applied: PS3, PM3, PM2_SUP, PP3

Department of Pathology and Laboratory Medicine, Sinai Health System
Classification: Likely pathogenic for short chain acyl-CoA dehydrogenase deficiency. Last evaluated: 2022-02-11. Review status: criteria provided, single submitter. Criteria: ACMG Guidelines, 2015. Collection method: research. Allele origin: germline.

Genome-Nilou Lab
Classification: Likely pathogenic for Deficiency of butyryl-CoA dehydrogenase. Last evaluated: 2021-11-07. Review status: criteria provided, single submitter. Criteria: ACMG Guidelines, 2015. Collection method: clinical testing. Allele origin: germline. Affected: no.

Baylor Genetics
Classification: Pathogenic for Deficiency of butyryl-CoA dehydrogenase. Last evaluated: 2021-08-06. Review status: criteria provided, single submitter. Criteria: ACMG Guidelines, 2015. Collection method: clinical testing. Allele origin: unknown.

Illumina Laboratory Services, Illumina
Classification: Pathogenic for Deficiency of butyryl-CoA dehydrogenase. Last evaluated: 2018-10-19. Review status: criteria provided, single submitter. Criteria: ICSL Variant Classification Criteria 09 May 2019. Collection method: clinical testing. Allele origin: germline.
Comment: The ACADS c.1058C>T (p.Ser353Leu) missense variant has been reported in two studies in which it is identified in at least seven probands with short-chain acyl-coA dehydrogenase (SCAD) deficiency, all in a compound heterozygous state with the common susceptibility allele, c.625C>T (Corydon et al. 2001; Van Maldegem et al. 2010). The p.Ser353Leu variant was reported in 5 of 959 controls in a heterozygous state and in one control along with the c.625C>T variant where zygosity is not confirmed (Corydon et al. 2001; Van Maldegem et al. 2011). The p.Ser353Leu is also reported at a frequency of 0.00021 in the European (non-Finnish) population of the Exome Aggregation Consortium. Functionally, SCAD enzyme activity was significantly reduced in E. coli expressing the p.Ser329Leu variant protein compared to wild type (Corydon et al. 2001). Of note, individuals with SCAD deficiency show variable expressivity of this condition, even among affected family members, and some individuals with a molecular diagnosis are asymptomatic into adulthood. Based on the collective evidence, the p.Ser353Leu variant is classified as pathogenic for short-chain acyl-coA dehydrogenase deficiency. This variant was observed by ICSL as part of a predisposition screen in an ostensibly healthy population.

ARUP Laboratories, Molecular Genetics and Genomics, ARUP Laboratories
Classification: Likely pathogenic. Last evaluated: 2017-12-12. Review status: criteria provided, single submitter. Criteria: ARUP Molecular Germline Variant Investigation Process. Collection method: clinical testing. Allele origin: germline.
Comment: The ACADS p.Ser353Leu variant (rs28941773) has been reported in two individuals with a diagnosis of short-chain acyl-CoA dehydrogenase (SCAD) deficiency who also had a common risk factor variant (Corydon 2001 and Dessein 2017). Furthermore, functional studies show that the ACADS protein harboring the p.Ser353Leu variant does not have detectable enzymatic activity compared to wild type when expressed in bacteria (Corydon 2001). The p.Ser353Leu variant is listed in the Genome Aggregation Database (gnomAD) browser with an allele frequency of 0.044% in the non-Finnish European population (identified in 54 out of 123,600 chromosomes), which is consistent with a recessive carrier frequency. This variant is also present in the ClinVar database (Variant ID: 3836). Therefore, based on the available evidence, the p.Ser353Leu variant is classified as likely pathogenic.

Genomic Research Center, Shahid Beheshti University of Medical Sciences
Classification: Likely pathogenic for Deficiency of butyryl-CoA dehydrogenase. Last evaluated: 2017-12-03. Review status: criteria provided, single submitter. Criteria: ACMG Guidelines, 2015. Collection method: clinical testing. Allele origin: inherited. Affected: yes.

CeGaT Center for Human Genetics Tuebingen
Classification: Likely pathogenic. Last evaluated: 2016-06-01. Review status: criteria provided, single submitter. Criteria: CeGaT Center For Human Genetics Tuebingen Variant Classification Criteria Version 2. Collection method: clinical testing. Allele origin: germline. Affected: yes. Observed: 1 variant allele.

Counsyl
Classification: Likely pathogenic for Deficiency of butyryl-CoA dehydrogenase. Last evaluated: 2018-06-21. Review status: no assertion criteria provided. Collection method: clinical testing. Allele origin: unknown. Not counted in ClinVar's aggregate classification.

OMIM
Classification: Pathogenic for SCAD DEFICIENCY. Last evaluated: 2001-01-01. Review status: no assertion criteria provided. Collection method: literature only. Allele origin: germline. Not counted in ClinVar's aggregate classification.

Literature cited by the submitters: PubMed 11134486 (cited by 6 submitters); PubMed 18523805 (cited by 3 submitters); PubMed 19800078 (cited by 3 submitters); PubMed 22424739 (cited by Labcorp Genetics (formerly Invitae), Labcorp); PubMed 31813752 (cited by Variantyx, Inc. and Women's Health and Genetics/Laboratory Corporation of America, LabCorp); PubMed 31980526 (cited by Women's Health and Genetics/Laboratory Corporation of America, LabCorp); PubMed 28532786 (cited by Women's Health and Genetics/Laboratory Corporation of America, LabCorp); PubMed 21500142 (cited by Illumina Laboratory Services, Illumina); PubMed 16926354 (cited by Counsyl).